The following is an entry in ClinVar:

ClinVar aggregate classification (germline): Uncertain significance. Review status: criteria provided, multiple submitters, no conflicts (2 of 4 stars). 2 submissions from 2 submitters: Uncertain significance (2). Last evaluated 2022-07-17.

Conditions:
Chédiak-Higashi syndrome (CHS). Also called: Chediak-Higashi Syndrome. Identifiers: Orphanet 167, MedGen C0007965, MONDO:0008963, OMIM 214500.

gnomAD v4.1: 11 of 1,612,896 alleles (0.00068%); highest among the groups gnomAD compares: Non-Finnish European, 0.00085%; no homozygotes.

Submissions (2):

Labcorp Genetics (formerly Invitae), Labcorp
Classification: Uncertain significance for Chédiak-Higashi syndrome. Last evaluated: 2022-07-17. Review status: criteria provided, single submitter. Criteria: Invitae Variant Classification Sherloc (09022015). Collection method: clinical testing. Allele origin: germline.
Comment: This sequence change replaces cysteine, which is neutral and slightly polar, with phenylalanine, which is neutral and non-polar, at codon 640 of the LYST protein (p.Cys640Phe). This variant is not present in population databases (gnomAD no frequency). This variant has not been reported in the literature in individuals affected with LYST-related conditions. Algorithms developed to predict the effect of missense changes on protein structure and function are either unavailable or do not agree on the potential impact of this missense change (SIFT: "Tolerated"; PolyPhen-2: "Probably Damaging"; Align-GVGD: "Class C0"). In summary, the available evidence is currently insufficient to determine the role of this variant in disease. Therefore, it has been classified as a Variant of Uncertain Significance.

Mayo Clinic Laboratories, Mayo Clinic
Classification: Uncertain significance. Last evaluated: 2022-05-31. Review status: criteria provided, single submitter. Criteria: ACMG Guidelines, 2015. Collection method: clinical testing. Allele origin: germline. Observed: 1 variant allele.
Comment: PM2

NM_000081.4(LYST):c.1919G>T (p.Cys640Phe)

Gene: LYST (lysosomal trafficking regulator; minus strand). Cytogenetic location: 1q42.3.
Variant type: single nucleotide variant.
Coding change: c.1919G>T on transcript NM_000081.4 (MANE Select); coding-DNA position 1919, G replaced by T.
Protein change: p.Cys640Phe; replaces cysteine 640 with phenylalanine.
Molecular consequence: missense variant.
Genome position (GRCh38, 1-based): chr1:235,808,899, C>A on the plus strand (G>T on the coding strand, the complement: LYST is on the minus strand). VCF-style: chr1-235808899-C-A. GRCh37 (hg19) VCF-style: chr1-235972199-C-A.
Other names: p.Cys640Phe; c.1919G>T, p.Cys640Phe (NM_001301365.1); short protein forms C640F.
Identifiers: ClinVar variation 2086294 (VCV002086294.2), dbSNP rs200312061, ClinGen allele CA39617840.
Genomic context (GRCh38, chr1:235,808,899, plus strand): 5'-TCACATAAGTTTCCCTGCAGTGTCTCTTCTAATTGGGCTAGTTGGTCAGAGTCAACAGTA[C>A]AAATATTACAAGCTGCTTTTTTAATTTTTGGTGATATCTCTGCTCCTCCTAACTGATCCA-3'
Protein context (NP_000072.2, residues 630-650): PKIKKAACNI[Cys640Phe]TVDSDQLAQL